The following is an entry in ClinVar:

ClinVar aggregate classification (germline): Uncertain significance (1 of 4 stars; one submission).

Submission:

Ambry Genetics
Classification: Uncertain significance. Last evaluated: 2023-08-02. Review status: criteria provided, single submitter. Criteria: Ambry Variant Classification Scheme 2023. Collection method: clinical testing. Allele origin: germline.
Comment: The p.A431P variant (also known as c.1291G>C), located in coding exon 9 of the POLQ gene, results from a G to C substitution at nucleotide position 1291. The alanine at codon 431 is replaced by proline, an amino acid with highly similar properties. This amino acid position is conserved. In addition, the in silico prediction for this alteration is inconclusive. Since supporting evidence is limited at this time, the clinical significance of this alteration remains unclear.

NM_199420.4(POLQ):c.1291G>C (p.Ala431Pro)

Gene: POLQ (DNA polymerase theta; minus strand). Cytogenetic location: 3q13.33.
Variant type: single nucleotide variant.
Coding change: c.1291G>C on transcript NM_199420.4 (MANE Select); coding-DNA position 1291, G replaced by C.
Protein change: p.Ala431Pro; replaces alanine 431 with proline.
Molecular consequence: missense variant.
Genome position (GRCh38, 1-based): chr3:121,520,048, C>G on the plus strand (G>C on the coding strand, the complement: POLQ is on the minus strand). VCF-style: chr3-121520048-C-G. GRCh37 (hg19) VCF-style: chr3-121238895-C-G.
Other names: short protein forms A431P.
Identifiers: ClinVar variation 2625857 (VCV002625857.2), dbSNP rs752122377, ClinGen allele CA354119876.